The following is an entry in ClinVar:

ClinVar aggregate classification (germline): Uncertain significance (1 of 4 stars; one submission).

Submission:

GeneDx
Classification: Uncertain significance. Last evaluated: 2025-05-30. Review status: criteria provided, single submitter. Criteria: GeneDx Variant Classification Process June 2021. Collection method: clinical testing. Allele origin: germline. Affected: yes.
Comment: Identified in a patient with developmental delay, congenital hydronephrosis, and abnormal brain MRI in published literature (PMID: 39159611); Not observed at significant frequency in large population cohorts (gnomAD); In silico analysis supports that this missense variant has a deleterious effect on protein structure/function; This variant is associated with the following publications: (PMID: 39159611)

NM_004380.3(CREBBP):c.1226G>T (p.Cys409Phe)

Gene: CREBBP (CREB binding lysine acetyltransferase; minus strand). Cytogenetic location: 16p13.3.
Variant type: single nucleotide variant.
Coding change: c.1226G>T on transcript NM_004380.3 (MANE Select); coding-DNA position 1226, G replaced by T.
Protein change: p.Cys409Phe; replaces cysteine 409 with phenylalanine.
Molecular consequence: missense variant. On other transcripts: intron variant (1).
Genome position (GRCh38, 1-based): chr16:3,792,085, C>A on the plus strand (G>T on the coding strand, the complement: CREBBP is on the minus strand). VCF-style: chr16-3792085-C-A. GRCh37 (hg19) VCF-style: chr16-3842086-C-A.
Other names: c.1216+1301G>T (NM_001079846.1); short protein forms C409F.
Identifiers: ClinVar variation 1308965 (VCV001308965.5), dbSNP rs2141281110, ClinGen allele CA394560927.